The following is an entry in ClinVar:

ClinVar aggregate classification (germline): Likely benign (1 of 4 stars; one submission).

Allele frequency attached by ClinVar (database versions not stated): TOPMed 0.00008 and 0.00006; ExAC 0.00008; ESP Exome Variant Server 0.00008.
gnomAD v4.1: 152 of 1,610,336 alleles (0.0094%); highest among the groups gnomAD compares: Non-Finnish European, 0.012%; no homozygotes.

Submission:

GeneDx
Classification: Likely benign. Last evaluated: 2018-02-08. Review status: criteria provided, single submitter. Criteria: GeneDx Variant Classification (06012015). Collection method: clinical testing. Allele origin: germline. Affected: yes.
Comment: This variant is considered likely benign or benign based on one or more of the following criteria: it is a conservative change, it occurs at a poorly conserved position in the protein, it is predicted to be benign by multiple in silico algorithms, and/or has population frequency not consistent with disease.

NM_000925.4(PDHB):c.-5C>G

Gene: PDHB (pyruvate dehydrogenase E1 subunit beta; minus strand). Cytogenetic location: 3p14.3.
Variant type: single nucleotide variant.
Coding change: c.-5C>G on transcript NM_000925.4 (MANE Select); 5 bases upstream of the start codon, C replaced by G.
Molecular consequence: 5 prime UTR variant. On other transcripts: non-coding transcript variant (1).
Genome position (GRCh38, 1-based): chr3:58,433,814, G>C on the plus strand (C>G on the coding strand, the complement: PDHB is on the minus strand). VCF-style: chr3-58433814-G-C. GRCh37 (hg19) VCF-style: chr3-58419541-G-C.
Other names: c.-5C>G (NM_001173468.2, NM_001315536.2).
Identifiers: ClinVar variation 382607 (VCV000382607.1), dbSNP rs367624729, ClinGen allele CA2471716.